The following is an entry in ClinVar:

ClinVar aggregate classification (germline): Uncertain significance (1 of 4 stars; one submission).

Conditions:
Fanconi anemia complementation group O. Also called: RAD51C-Related Fanconi Anemia. Identifiers: Orphanet 84, MedGen C3150653, MONDO:0013248, OMIM 613390.

Submission:

Labcorp Genetics (formerly Invitae), Labcorp
Classification: Uncertain significance for Fanconi anemia complementation group O. Last evaluated: 2019-01-01. Review status: criteria provided, single submitter. Criteria: Invitae Variant Classification Sherloc (09022015). Collection method: clinical testing. Allele origin: germline.
Comment: This variant results in a copy number gain of the genomic region encompassing exon 1 of the RAD51C gene. The 5' end of this event is unknown as it extends beyond the assayed region for this gene and therefore may encompass additional genes. The 3' boundary is likely confined to intron 1 of the RAD51C gene. As the precise location of this event is unknown, it may be in tandem or it may be located elsewhere in the genome. In summary, the available evidence is currently insufficient to determine the role of this variant in disease. Therefore, it has been classified as a Variant of Uncertain Significance. This variant has not been reported in the literature in individuals with RAD51C-related conditions.

NC_000017.11:g.(?_58692634)_(58692798_?)dup

Gene: RAD51C (RAD51 paralog C; plus strand). Cytogenetic location: 17q22.
Variant type: Duplication.
Identifiers: ClinVar variation 832604 (VCV000832604.3).